The following is an entry in ClinVar:

ClinVar aggregate classification (germline): Uncertain significance (1 of 4 stars; one submission).

Conditions:
Saldino-Mainzer syndrome (SRTD9). Also called: CONORENAL SYNDROME; Renal dysplasia, retinal pigmentary dystrophy, cerebellar ataxia and skeletal dysplasia; SHORT-RIB THORACIC DYSPLASIA 9 WITHOUT POLYDACTYLY; short-rib thoracic dysplasia 9 with or without polydactyly. Identifiers: Orphanet 140969, MedGen C1849437, MONDO:0009964, OMIM 266920.

Submission:

Labcorp Genetics (formerly Invitae), Labcorp
Classification: Uncertain significance for Saldino-Mainzer syndrome. Last evaluated: 2025-06-30. Review status: criteria provided, single submitter. Criteria: Invitae Variant Classification Sherloc (09022015). Collection method: clinical testing. Allele origin: germline.
Comment: This sequence change replaces methionine, which is neutral and non-polar, with valine, which is neutral and non-polar, at codon 183 of the IFT140 protein (p.Met183Val). This variant is present in population databases (rs767055432, gnomAD 0.003%). This variant has not been reported in the literature in individuals affected with IFT140-related conditions. Invitae Evidence Modeling of protein sequence and biophysical properties (such as structural, functional, and spatial information, amino acid conservation, physicochemical variation, residue mobility, and thermodynamic stability) indicates that this missense variant is not expected to disrupt IFT140 protein function with a negative predictive value of 80%. In summary, the available evidence is currently insufficient to determine the role of this variant in disease. Therefore, it has been classified as a Variant of Uncertain Significance.

NM_014714.4(IFT140):c.547A>G (p.Met183Val)

Genes: IFT140 (intraflagellar transport 140; minus strand), LOC105371046 (uncharacterized LOC105371046; plus strand). Cytogenetic location: 16p13.3.
Variant type: single nucleotide variant.
Coding change: c.547A>G on transcript NM_014714.4 (MANE Select); coding-DNA position 547, A replaced by G.
Protein change: p.Met183Val; replaces methionine 183 with valine.
Molecular consequence: missense variant.
Genome position (GRCh38, 1-based): chr16:1,592,263, T>C on the plus strand (A>G on the coding strand, the complement: IFT140 is on the minus strand). VCF-style: chr16-1592263-T-C. GRCh37 (hg19) VCF-style: chr16-1642264-T-C.
Other names: short protein forms M183V.
Identifiers: ClinVar variation 4740192 (VCV004740192.1).
Genomic context (GRCh38, chr16:1,592,263, plus strand): 5'-GCCCCTCGTGAGACCCCATCTTCAGCAAACTTCCAGAACTGCTCTTCTTCCAGTTAAACA[T>C]GTCCAGGGCTTTCTCATCACCGCTCACAGCTGCCTTTGCCAACTGAACCAGGTCCCTGAA-3'
Protein context (NP_055529.2, residues 173-193): AVSGDEKALD[Met183Val]FNWKKSSSGS